The following is an entry in ClinVar:

NM_002317.7(LOX):c.701A>C (p.Tyr234Ser)

Genes: LOX (lysyl oxidase; minus strand), SRFBP1 (serum response factor binding protein 1; plus strand). Cytogenetic location: 5q23.1.
Variant type: single nucleotide variant.
Coding change: c.701A>C on transcript NM_002317.7 (MANE Select); coding-DNA position 701, A replaced by C.
Protein change: p.Tyr234Ser; replaces tyrosine 234 with serine.
Molecular consequence: missense variant. On other transcripts: intron variant (1).
Genome position (GRCh38, 1-based): chr5:122,076,932, T>G on the plus strand (A>C on the coding strand, the complement: LOX is on the minus strand). VCF-style: chr5-122076932-T-G. GRCh37 (hg19) VCF-style: chr5-121412627-T-G.
Other names: c.11A>C, p.Tyr4Ser (NM_001178102.2); c.-152+160A>C (NM_001317073.1); short protein forms Y234S, Y4S.
Identifiers: ClinVar variation 4048009 (VCV004048009.1).

ClinVar aggregate classification (germline): Uncertain significance (1 of 4 stars; one submission).

Conditions:
Cardiovascular phenotype. Identifiers: MedGen CN230736.

gnomAD v4.1: 2 of 1,613,650 alleles (0.00012%); highest among the groups gnomAD compares: Admixed American, 0.0017%; no homozygotes.

Submission:

Ambry Genetics
Classification: Uncertain significance for Cardiovascular phenotype. Last evaluated: 2025-04-23. Review status: criteria provided, single submitter. Criteria: Ambry Variant Classification Scheme 2023. Collection method: clinical testing. Allele origin: germline.
Comment: The p.Y234S variant (also known as c.701A>C), located in coding exon 2 of the LOX gene, results from an A to C substitution at nucleotide position 701. The tyrosine at codon 234 is replaced by serine, an amino acid with dissimilar properties. This amino acid position is conserved. In addition, the in silico prediction for this alteration is inconclusive. Based on the available evidence, the clinical significance of this variant remains unclear.